The following is an entry in ClinVar:

NM_007294.4(BRCA1):c.5026_5034del (p.Thr1677_Leu1679del)

Gene: BRCA1 (BRCA1 DNA repair associated; minus strand). Cytogenetic location: 17q21.31.
Variant type: Deletion.
Coding change: c.5026_5034del on transcript NM_007294.4 (MANE Select); coding-DNA positions 5026 to 5034, 9 bases deleted (TTAACTAAT; older notation c.5026_5034delTTAACTAAT).
Protein change: p.Thr1677_Leu1679del.
Molecular consequence: inframe deletion. On other transcripts: inframe indel (364), non-coding transcript variant (1).
Genome position (GRCh38, 1-based): chr17:43,067,648-43,067,656, ATTAGTTAA deleted on the plus strand (TTAACTAAT on the coding strand, the reverse complement: BRCA1 is on the minus strand); deleting any 9 consecutive bases within chr17:43,067,648-43,067,657 gives the same sequence; the c. name uses the placement nearest the transcript's 3' end. VCF-style (leftmost placement, unchanged base first): chr17-43067647-GATTAGTTAA-G. GRCh37 (hg19) VCF-style: chr17-41219664-GATTAGTTAA-G.
Other names: c.4812_4820delTTTAACTAA, p.Thr1606_Leu1608del (NM_001407571.1, NM_001407894.1, NM_001407895.1 and 12 more transcripts); c.5091_5099delTTTAACTAA, p.Thr1699_Leu1701del (NM_001407581.1, NM_001407582.1); c.5088_5096delTTTAACTAA, p.Thr1698_Leu1700del (NM_001407583.1, NM_001407585.1, NM_001407587.1); c.5085_5093delTTTAACTAA, p.Thr1697_Leu1699del (NM_001407590.1, NM_001407591.1); c.5025_5033delTTTAACTAA, p.Thr1677_Leu1679del (NM_001407593.1, NM_001407594.1, NM_001407596.1 and 8 more transcripts); c.5022_5030delTTTAACTAA, p.Thr1676_Leu1678del (NM_001407610.1, NM_001407611.1, NM_001407612.1 and 17 more transcripts); c.5019_5027delTTTAACTAA, p.Thr1675_Leu1677del (NM_001407627.1, NM_001407628.1, NM_001407629.1 and 14 more transcripts); c.5016_5024delTTTAACTAA, p.Thr1674_Leu1676del (NM_001407644.1, NM_001407645.1); and 73 more.
Identifiers: ClinVar variation 2035972 (VCV002035972.4), dbSNP rs2550274164, ClinGen allele CA2580093982.
Genomic context (GRCh38, chr17:43,067,647, plus strand): 5'-CTGTAAAGGTTCTTGGTATACCTGTTTTCATAACAACATGAGTAGTCTCTTCAGTAATTA[GATTAGTTAA>G]AGTGATGTGGTGTTTTCTGGCAAACTTGTACACGAGCATCTGAAATTAAATCAAATATTC-3'

ClinVar aggregate classification (germline): Uncertain significance (1 of 4 stars; one submission).

Conditions:
Hereditary breast ovarian cancer syndrome. Also called: Hereditary breast and/or ovarian cancer syndrome; BRCA1- and BRCA2-Associated Hereditary Breast and Ovarian Cancer; Breast and ovarian cancer; Hereditary breast and ovarian cancer; Hereditary breast and ovarian cancer syndrome (HBOC); Hereditary breast and ovarian cancer syndrome. Identifiers: Orphanet 145, MedGen C0677776, MeSH D061325, MONDO:0003582. Disease mechanism: loss of function.

Submission:

Labcorp Genetics (formerly Invitae), Labcorp
Classification: Uncertain significance for Hereditary breast ovarian cancer syndrome. Last evaluated: 2022-10-19. Review status: criteria provided, single submitter. Criteria: Invitae Variant Classification Sherloc (09022015). Collection method: clinical testing. Allele origin: germline.
Comment: This variant, c.5026_5034del, results in the deletion of 3 amino acid(s) of the BRCA1 protein (p.Thr1677_Leu1679del), but otherwise preserves the integrity of the reading frame. This variant is not present in population databases (gnomAD no frequency). This variant has not been reported in the literature in individuals affected with BRCA1-related conditions. Experimental studies and prediction algorithms are not available or were not evaluated, and the functional significance of this variant is currently unknown. Algorithms developed to predict the effect of sequence changes on RNA splicing suggest that this variant may create or strengthen a splice site. In summary, the available evidence is currently insufficient to determine the role of this variant in disease. Therefore, it has been classified as a Variant of Uncertain Significance.